The following is an entry in ClinVar:

NM_003031.4(SIAH1):c.288C>G (p.Phe96Leu)

Genes: LONP2 (lon peptidase 2, peroxisomal; plus strand), SIAH1 (siah E3 ubiquitin protein ligase 1; minus strand). Cytogenetic location: 16q12.1.
Variant type: single nucleotide variant.
Coding change: c.288C>G on transcript NM_003031.4 (MANE Select); coding-DNA position 288, C replaced by G.
Protein change: p.Phe96Leu; replaces phenylalanine 96 with leucine.
Molecular consequence: missense variant. On other transcripts: 3 prime UTR variant (1).
Genome position (GRCh38, 1-based): chr16:48,362,141, G>C on the plus strand (C>G on the coding strand, the complement: SIAH1 is on the minus strand). VCF-style: chr16-48362141-G-C. GRCh37 (hg19) VCF-style: chr16-48396052-G-C.
Other names: c.381C>G, p.Phe127Leu (NM_001006610.2); c.*545G>C (NM_001348078.2); short protein forms F127L, F96L.
Identifiers: ClinVar variation 4057265 (VCV004057265.1).

ClinVar aggregate classification (germline): Likely pathogenic (0 of 4 stars; one submission).

Conditions:
Buratti-Harel syndrome. Identifiers: MedGen C5543351, MONDO:0859144, OMIM 619314.

Submission:

Molecular Diagnostic Laboratory, Beijing Chigene Translational Medicine Research Center
Classification: Likely pathogenic for Buratti-Harel syndrome. Review status: no assertion criteria provided. Collection method: clinical testing. Allele origin: de novo. Inheritance: Autosomal dominant inheritance. Affected: yes.
Comment: The NM_003031.4 c.288C>G (p.Phe96Leu) is a missense variant in SIAH1. This variant is classified as Likely Pathogenic based on the ACMG/AMP guidelines, meeting the criteria of PS2, PM2, PP2, and PP3. PS2 indicates that this variant is a de novo occurrence (with confirmation of paternity and maternity) in a proband with the disease and no family history of the disorder. PM2 refers to the fact that the variant is absent or present at extremely low frequency in population databases; specifically, it is not found or is very rare in gnomAD, which aggregates a large amount of genomic data from diverse populations. PP2 reflects that the variant is observed in a gene where missense variants are a common mechanism of disease, and this missense change is within a functionally important domain of the SIAH1 protein, contributing to its pathogenic potential. PP3 is supported by computational evidence (such as in silico prediction tools) that suggests the variant is damaging to the protein's structure or function, further supporting its likely pathogenic nature. In summary, this variant meets the criteria to be classified as Likely Pathogenic based on the ACMG/AMP guidelines, as specified by the relevant variant interpretation criteria: PS2, PM2, PP2, PP3.